The following is an entry in ClinVar:

NM_015272.5(RPGRIP1L):c.1439dup (p.Leu480fs)

Gene: RPGRIP1L (RPGRIP1 like; minus strand). Cytogenetic location: 16q12.2.
Variant type: Duplication.
Coding change: c.1439dup on transcript NM_015272.5 (MANE Select); coding-DNA position 1439, one base duplicated (T; older notation c.1439dupT).
Protein change: p.Leu480fs; shifts the reading frame from leucine 480.
Molecular consequence: frameshift variant.
Genome position (GRCh38, 1-based): chr16:53,657,595, A duplicated on the plus strand (T on the coding strand, the reverse complement: RPGRIP1L is on the minus strand); the first of 5 consecutive A bases (chr16:53,657,595-53,657,599); duplicating any one gives the same sequence. VCF-style (leftmost placement, unchanged base first): chr16-53657594-T-TA. GRCh37 (hg19) VCF-style: chr16-53691506-T-TA.
Other names: c.1439dup, p.Leu480fs (NM_001127897.4, NM_001308334.3, NM_001330538.2); short protein forms L480fs.
Identifiers: ClinVar variation 4293231 (VCV004293231.1).

ClinVar aggregate classification (germline): Pathogenic (1 of 4 stars; one submission).

Conditions:
Joubert syndrome 7 (JBTS7). Identifiers: Orphanet 220497, MedGen C1969053, MONDO:0012694, OMIM 611560.

Submission:

3billion
Classification: Pathogenic for Joubert syndrome 7. Last evaluated: 2025-03-31. Review status: criteria provided, single submitter. Criteria: ACMG Guidelines, 2015. Collection method: clinical testing. Allele origin: germline. Affected: yes.
Comment: The variant is not observed in the gnomAD v4.1.0 dataset. Predicted Consequence/Location: Frameshift: predicted to result in a loss or disruption of normal protein function through nonsense-mediated decay (NMD) or protein truncation. Multiple pathogenic variants are reported downstream of the variant. Therefore, this variant is classified as Pathogenic according to the recommendation of ACMG/AMP guideline.